The following is an entry in ClinVar:

ClinVar aggregate classification (germline): Uncertain significance. Review status: criteria provided, multiple submitters, no conflicts (2 of 4 stars). 2 submissions from 2 submitters: Uncertain significance (2). Last evaluated 2025-07-14.

Conditions:
Mowat-Wilson syndrome (MOWS). Also called: Classic Mowat-Wilson Syndrome. Identifiers: Orphanet 2152, MedGen C1856113, MONDO:0009341, OMIM 235730.
Inborn genetic diseases. Identifiers: MedGen C0950123, MeSH D030342.

Allele frequency attached by ClinVar (database versions not stated): TOPMed 0.00001.
gnomAD v4.1: 4 of 1,614,040 alleles (0.00025%); highest among the groups gnomAD compares: East Asian, 0.0022%; no homozygotes.

Submissions (2):

Labcorp Genetics (formerly Invitae), Labcorp
Classification: Uncertain significance for Mowat-Wilson syndrome. Last evaluated: 2025-07-14. Review status: criteria provided, single submitter. Criteria: Invitae Variant Classification Sherloc (09022015). Collection method: clinical testing. Allele origin: germline.
Comment: This sequence change replaces arginine, which is basic and polar, with histidine, which is basic and polar, at codon 988 of the ZEB2 protein (p.Arg988His). This variant is not present in population databases (gnomAD no frequency). This variant has not been reported in the literature in individuals affected with ZEB2-related conditions. ClinVar contains an entry for this variant (Variation ID: 1513514). Invitae Evidence Modeling of protein sequence and biophysical properties (such as structural, functional, and spatial information, amino acid conservation, physicochemical variation, residue mobility, and thermodynamic stability) indicates that this missense variant is expected to disrupt ZEB2 protein function with a positive predictive value of 80%. In summary, the available evidence is currently insufficient to determine the role of this variant in disease. Therefore, it has been classified as a Variant of Uncertain Significance.

Ambry Genetics
Classification: Uncertain significance for Inborn genetic diseases. Last evaluated: 2024-12-12. Review status: criteria provided, single submitter. Criteria: Ambry Variant Classification Scheme 2023. Collection method: clinical testing. Allele origin: germline.

NM_014795.4(ZEB2):c.2963G>A (p.Arg988His)

Gene: ZEB2 (zinc finger E-box binding homeobox 2; minus strand). Cytogenetic location: 2q22.3.
Variant type: single nucleotide variant.
Coding change: c.2963G>A on transcript NM_014795.4 (MANE Select); coding-DNA position 2963, G replaced by A.
Protein change: p.Arg988His; replaces arginine 988 with histidine.
Molecular consequence: missense variant.
Genome position (GRCh38, 1-based): chr2:144,396,516, C>T on the plus strand (G>A on the coding strand, the complement: ZEB2 is on the minus strand). VCF-style: chr2-144396516-C-T. GRCh37 (hg19) VCF-style: chr2-145154083-C-T.
Other names: c.2891G>A, p.Arg964His (NM_001171653.2); c.2963G>A (NM_014795.3); short protein forms R988H, R964H.
Identifiers: ClinVar variation 1513514 (VCV001513514.9), dbSNP rs776367143, ClinGen allele CA57553485.